The following is an entry in ClinVar:

NM_001145358.2(SIN3A):c.1391C>T (p.Ser464Leu)

Gene: SIN3A (SIN3 transcription regulator family member A; minus strand). Cytogenetic location: 15q24.2.
Variant type: single nucleotide variant.
Coding change: c.1391C>T on transcript NM_001145358.2 (MANE Select); coding-DNA position 1391, C replaced by T.
Protein change: p.Ser464Leu; replaces serine 464 with leucine.
Molecular consequence: missense variant.
Genome position (GRCh38, 1-based): chr15:75,407,071, G>A on the plus strand (C>T on the coding strand, the complement: SIN3A is on the minus strand). VCF-style: chr15-75407071-G-A. GRCh37 (hg19) VCF-style: chr15-75699412-G-A.
Other names: c.1391C>T, p.Ser464Leu (NM_001145357.2, NM_015477.3); short protein forms S464L.
Identifiers: ClinVar variation 3612499 (VCV003612499.2).

ClinVar aggregate classification (germline): Uncertain significance (1 of 4 stars; one submission).

gnomAD v4.1: 38 of 1,610,214 alleles (0.0024%); highest among the groups gnomAD compares: South Asian, 0.027%; no homozygotes.

Submission:

Labcorp Genetics (formerly Invitae), Labcorp
Classification: Uncertain significance. Last evaluated: 2024-12-31. Review status: criteria provided, single submitter. Criteria: Invitae Variant Classification Sherloc (09022015). Collection method: clinical testing. Allele origin: germline.
Comment: This sequence change replaces serine, which is neutral and polar, with leucine, which is neutral and non-polar, at codon 464 of the SIN3A protein (p.Ser464Leu). This variant is present in population databases (rs574020537, gnomAD 0.02%). This variant has not been reported in the literature in individuals affected with SIN3A-related conditions. Invitae Evidence Modeling of protein sequence and biophysical properties (such as structural, functional, and spatial information, amino acid conservation, physicochemical variation, residue mobility, and thermodynamic stability) indicates that this missense variant is not expected to disrupt SIN3A protein function with a negative predictive value of 80%. In summary, the available evidence is currently insufficient to determine the role of this variant in disease. Therefore, it has been classified as a Variant of Uncertain Significance.